The following is an entry in ClinVar:

ClinVar aggregate classification (germline): Conflicting classifications of pathogenicity. Review status: criteria provided, conflicting classifications (1 of 4 stars). 6 submissions from 6 submitters: Uncertain significance (3); Likely benign (3). Last evaluated 2025-09-01.

Conditions:
MYO6-related disorder. Also called: MYO6-related condition; MYO6-related disorders.

Allele frequency attached by ClinVar (database versions not stated): gnomAD exomes 0.00006 and 0.00014; 1000 Genomes Project 30x 0.00016; ExAC 0.00019; 1000 Genomes Project 0.00020; gnomAD 0.00056 and 0.00069; ESP Exome Variant Server 0.00062; TOPMed 0.00076.
gnomAD v4.1: 183 of 1,614,064 alleles (0.011%); highest among the groups gnomAD compares: African/African-American, 0.19%; no homozygotes.

Submissions (6):

Labcorp Genetics (formerly Invitae), Labcorp
Classification: Likely benign. Last evaluated: 2025-09-01. Review status: criteria provided, single submitter. Criteria: Invitae Variant Classification Sherloc (09022015). Collection method: clinical testing. Allele origin: germline.

PreventionGenetics, part of Exact Sciences
Classification: Likely benign for MYO6-related condition. Last evaluated: 2025-01-21. Review status: criteria provided, single submitter. Criteria: ACMG Guidelines, 2015. Collection method: clinical testing. Allele origin: germline.
Comment: This variant is classified as likely benign based on ACMG/AMP sequence variant interpretation guidelines (Richards et al. 2015 PMID: 25741868, with internal and published modifications).

Blueprint Genetics
Classification: Uncertain significance. Last evaluated: 2024-07-05. Review status: criteria provided, single submitter. Criteria: ACMG Guidelines, 2015. Collection method: clinical testing. Allele origin: germline.

GeneDx
Classification: Likely benign. Last evaluated: 2021-06-08. Review status: criteria provided, single submitter. Criteria: GeneDx Variant Classification Process June 2021. Collection method: clinical testing. Allele origin: germline. Affected: yes.

Laboratory for Molecular Medicine, Mass General Brigham Personalized Medicine
Classification: Uncertain significance. Last evaluated: 2018-02-15. Review status: criteria provided, single submitter. Criteria: LMM Criteria. Collection method: clinical testing. Allele origin: germline. Observed: 2 variant alleles.
Comment: This variant has be en identified in 0.18% (44/24026) of African chromosomes by the Genome Aggregati on Database (gnomAD; dbSNP rs146419641) and i s reported in ClinVar (Variation ID: 228995). Computational prediction tools and conservation analysis suggest that the p.Arg1177Cys variant may impact the prot ein, though this information is not predictive enough to determine pathogenicity . In summary, the clinical significance of the p.Arg1177Cys variant is uncertain . ACMG/AMP Criteria applied: PP3.

Eurofins Ntd Llc (ga)
Classification: Uncertain significance. Last evaluated: 2017-03-31. Review status: criteria provided, single submitter. Criteria: EGL Classification Definitions 2015. Collection method: clinical testing. Allele origin: germline. Observed: 2 variant alleles, 2 heterozygotes.

NM_004999.4(MYO6):c.3529C>T (p.Arg1177Cys)

Gene: MYO6 (myosin VI; plus strand). Cytogenetic location: 6q14.1.
Variant type: single nucleotide variant.
Coding change: c.3529C>T on transcript NM_004999.4 (MANE Select); coding-DNA position 3529, C replaced by T.
Protein change: p.Arg1177Cys; replaces arginine 1177 with cysteine.
Molecular consequence: missense variant. On other transcripts: non-coding transcript variant (1).
Genome position (GRCh38, 1-based): chr6:75,914,152, C>T. VCF-style: chr6-75914152-C-T. GRCh37 (hg19) VCF-style: chr6-76623869-C-T.
Other names: c.3460C>T, p.Arg1154Cys (NM_001300899.2); c.3433C>T, p.Arg1145Cys (NM_001368136.1); c.3490C>T, p.Arg1164Cys (NM_001368137.1); c.3445C>T, p.Arg1149Cys (NM_001368138.1); c.3556C>T, p.Arg1186Cys (NM_001368865.1); c.3529C>T, p.Arg1177Cys (NM_001368866.1); short protein forms R1177C, R1154C, R1164C, R1186C, R1145C, R1149C.
Identifiers: ClinVar variation 228995 (VCV000228995.16), dbSNP rs146419641, ClinGen allele CA3897754.
Genomic context (GRCh38, chr6:75,914,152, plus strand): 5'-GCCAGGCAGCGGGAGATTGAAATGAACCGACAGCAACGCTTCTTCCGCATCCCATTCATC[C>T]GCCCTGCCGACCAGTACAAAGACCCTCAGAGTAAGAAAAAAGGCTGGTGGTATGCCCATT-3'
Protein context (NP_004990.3, residues 1167-1187): QQRFFRIPFI[Arg1177Cys]PADQYKDPQS